The following is an entry in ClinVar:

ClinVar aggregate classification (germline): Likely benign. Review status: criteria provided, multiple submitters, no conflicts (2 of 4 stars). 2 submissions from 2 submitters: Likely benign (2). Last evaluated 2025-06-08.

Conditions:
Episodic ataxia type 2 (EA2). Also called: EPISODIC ATAXIA, NYSTAGMUS-ASSOCIATED; ATAXIA, EPISODIC, WITH NYSTAGMUS; ATAXIA, FAMILIAL PAROXYSMAL; CEREBELLAR ATAXIA, PAROXYSMAL, ACETAZOLAMIDE-RESPONSIVE; CEREBELLOPATHY, HEREDITARY PAROXYSMAL; ACETAZOLAMIDE-RESPONSIVE HEREDITARY PAROXYSMAL CEREBELLAR ATAXIA. Identifiers: Orphanet 97, MedGen C1720416, MONDO:0007163, OMIM 108500.
Developmental and epileptic encephalopathy, 42 (DEE42A). Also called: Epileptic encephalopathy, early infantile, 42; DEVELOPMENTAL AND EPILEPTIC ENCEPHALOPATHY 42A; EPILEPTIC ENCEPHALOPATHY, EARLY INFANTILE, 42A. Identifiers: MedGen C4310716, MONDO:0014917, OMIM 617106.

Allele frequency attached by ClinVar (database versions not stated): gnomAD exomes 0.00001.
gnomAD v4.1: 6 of 1,611,446 alleles (0.00037%); highest among the groups gnomAD compares: Non-Finnish European, 0.00051%; no homozygotes.

Submissions (2):

Labcorp Genetics (formerly Invitae), Labcorp
Classification: Likely benign for Developmental and epileptic encephalopathy, 42; Episodic ataxia type 2. Last evaluated: 2025-06-08. Review status: criteria provided, single submitter. Criteria: Invitae Variant Classification Sherloc (09022015). Collection method: clinical testing. Allele origin: germline.

Athena Diagnostics
Classification: Likely benign. Last evaluated: 2024-12-18. Review status: criteria provided, single submitter. Criteria: Athena Diagnostics Criteria. Collection method: clinical testing. Allele origin: unknown.
Comment: Computational tools yielded predictions that this variant is unlikely to have an effect on normal RNA splicing. This nucleotide position exhibits low evolutionary conservation.

NM_001127222.2(CACNA1A):c.4263C>T (p.Leu1421=)

Gene: CACNA1A (calcium voltage-gated channel subunit alpha1 A; minus strand). Cytogenetic location: 19p13.13.
Variant type: single nucleotide variant.
Coding change: c.4263C>T on transcript NM_001127222.2 (MANE Select); coding-DNA position 4263, C replaced by T.
Protein change: p.Leu1421=; no amino-acid change (leucine 1421 retained).
Molecular consequence: synonymous variant.
Genome position (GRCh38, 1-based): chr19:13,259,689, G>A on the plus strand (C>T on the coding strand, the complement: CACNA1A is on the minus strand). VCF-style: chr19-13259689-G-A. GRCh37 (hg19) VCF-style: chr19-13370503-G-A.
Other names: c.4275C>T, p.Leu1425= (NM_000068.4, NM_023035.3); c.4266C>T, p.Leu1422= (NM_001127221.2, NM_001174080.2); c.4266C>T (NM_000068.2).
Identifiers: ClinVar variation 542844 (VCV000542844.12), dbSNP rs1173445536, ClinGen allele CA505659844.